The following is an entry in ClinVar:

NM_152617.4(RNF168):c.655_658del (p.Gln219fs)

Gene: RNF168 (ring finger protein 168; minus strand). Cytogenetic location: 3q29.
Variant type: Microsatellite.
Coding change: c.655_658del on transcript NM_152617.4 (MANE Select); coding-DNA positions 655 to 658, 4 bases deleted (CAAA; older notation c.655_658delCAAA).
Protein change: p.Gln219fs; shifts the reading frame from glutamine 219.
Molecular consequence: frameshift variant.
Genome position (GRCh38, 1-based): chr3:196,483,792-196,483,795, TTTG deleted on the plus strand (CAAA on the coding strand, the reverse complement: RNF168 is on the minus strand); deleting any 4 consecutive bases within chr3:196,483,792-196,483,801 gives the same sequence; the c. name uses the placement nearest the transcript's 3' end. VCF-style (leftmost placement, unchanged base first): chr3-196483791-CTTTG-C. GRCh37 (hg19) VCF-style: chr3-196210662-CTTTG-C.
Other names: short protein forms Q219fs.
Identifiers: ClinVar variation 2146079 (VCV002146079.1), dbSNP rs780973141, ClinGen allele CA2780861.

ClinVar aggregate classification (germline): Pathogenic (1 of 4 stars; one submission).

Submission:

Labcorp Genetics (formerly Invitae), Labcorp
Classification: Pathogenic. Last evaluated: 2022-07-05. Review status: criteria provided, single submitter. Criteria: Invitae Variant Classification Sherloc (09022015). Collection method: clinical testing. Allele origin: germline.
Comment: This sequence change creates a premature translational stop signal (p.Gln219Glufs*10) in the RNF168 gene. It is expected to result in an absent or disrupted protein product. Loss-of-function variants in RNF168 are known to be pathogenic (PMID: 19203578, 21394101). This variant is present in population databases (rs780973141, gnomAD 0.0009%). This variant has not been reported in the literature in individuals affected with RNF168-related conditions. For these reasons, this variant has been classified as Pathogenic.

Literature cited by the submitters: PubMed 19203578; PubMed 21394101.